The following is an entry in ClinVar:

NM_004970.3(IGFALS):c.1386C>T (p.Tyr462=)

Gene: IGFALS (insulin like growth factor binding protein acid labile subunit; minus strand). Cytogenetic location: 16p13.3.
Variant type: single nucleotide variant.
Coding change: c.1386C>T on transcript NM_004970.3 (MANE Select); coding-DNA position 1386, C replaced by T.
Protein change: p.Tyr462=; no amino-acid change (tyrosine 462 retained).
Molecular consequence: synonymous variant. On other transcripts: non-coding transcript variant (1).
Genome position (GRCh38, 1-based): chr16:1,791,032, G>A on the plus strand (C>T on the coding strand, the complement: IGFALS is on the minus strand). VCF-style: chr16-1791032-G-A. GRCh37 (hg19) VCF-style: chr16-1841033-G-A.
Other names: c.1500C>T, p.Tyr500= (NM_001146006.2).
Identifiers: ClinVar variation 318241 (VCV000318241.9), dbSNP rs17559, ClinGen allele CA7820318.

ClinVar aggregate classification (germline): Benign. Review status: criteria provided, multiple submitters, no conflicts (2 of 4 stars). 4 submissions from 4 submitters: Benign (4). Last evaluated 2026-05-08.

Conditions:
Short stature due to primary acid-labile subunit deficiency. Also called: Acid-labile subunit deficiency; Acid-labile subunit, deficiency of. Identifiers: Orphanet 140941, MedGen C3900122, MONDO:0014420, OMIM 615961.

Allele frequency attached by ClinVar (database versions not stated): 1000 Genomes Project 30x 0.26280; gnomAD 0.20106; ExAC 0.15412; TOPMed 0.20702; gnomAD exomes 0.14444; ESP Exome Variant Server 0.18844; 1000 Genomes Project 0.25619.
gnomAD v4.1: 205,476 of 1,598,232 alleles (13%); highest among the groups gnomAD compares: African/African-American, 45%; 19,780 homozygotes.

Submissions (4):

Women's Health and Genetics/Laboratory Corporation of America, LabCorp
Classification: Benign. Last evaluated: 2026-05-08. Review status: criteria provided, single submitter. Criteria: LabCorp Variant Classification Summary - May 2015. Collection method: clinical testing. Allele origin: germline.

GeneDx
Classification: Benign. Last evaluated: 2021-09-10. Review status: criteria provided, single submitter. Criteria: GeneDx Variant Classification Process June 2021. Collection method: clinical testing. Allele origin: germline. Affected: yes.

Illumina Laboratory Services, Illumina
Classification: Benign for Short stature due to primary acid-labile subunit deficiency. Last evaluated: 2018-01-12. Review status: criteria provided, single submitter. Criteria: ICSL Variant Classification Criteria 13 December 2019. Collection method: clinical testing. Allele origin: germline.
Comment: This variant was observed in the ICSL laboratory as part of a predisposition screen in an ostensibly healthy population. It had not been previously curated by ICSL or reported in the Human Gene Mutation Database (HGMD: prior to June 1st, 2018), and was therefore a candidate for classification through an automated scoring system. Utilizing variant allele frequency, disease prevalence and penetrance estimates, and inheritance mode, an automated score was calculated to assess if this variant is too frequent to cause the disease. Based on the score and internal cut-off values, a variant classified as benign is not then subjected to further curation. The score for this variant resulted in a classification of benign for this disease.

Breakthrough Genomics
Classification: Benign. Review status: criteria provided, single submitter. Criteria: ACMG Guidelines, 2015. Collection method: not provided. Allele origin: germline. Inheritance: Autosomal recessive inheritance. Affected: yes.